The following is an entry in ClinVar:

ClinVar aggregate classification (germline): Uncertain significance (1 of 4 stars; one submission).

Conditions:
Norman-Roberts syndrome (LIS2). Also called: Lissencephaly 2 (Norman-Roberts type). Identifiers: Orphanet 89844, MedGen C0796089, MONDO:0009760, OMIM 257320.
Familial temporal lobe epilepsy 7. Identifiers: Orphanet 101046, MedGen C4225327, MONDO:0014639, OMIM 616436.

gnomAD v4.1: 2 of 1,610,976 alleles (0.00012%); highest among the groups gnomAD compares: South Asian, 0.0011%; no homozygotes.

Submission:

Labcorp Genetics (formerly Invitae), Labcorp
Classification: Uncertain significance for Familial temporal lobe epilepsy 7; Norman-Roberts syndrome. Last evaluated: 2025-11-18. Review status: criteria provided, single submitter. Criteria: Invitae Variant Classification Sherloc (09022015). Collection method: clinical testing. Allele origin: germline.
Comment: This sequence change falls in intron 42 of the RELN gene. It does not directly change the encoded amino acid sequence of the RELN protein. It affects a nucleotide within the consensus splice site. This variant is not present in population databases (gnomAD no frequency). This variant has not been reported in the literature in individuals affected with RELN-related conditions. Variants that disrupt the consensus splice site are a relatively common cause of aberrant splicing (PMID: 17576681, 9536098). Algorithms developed to predict the effect of sequence changes on RNA splicing suggest that this variant is not likely to affect RNA splicing. In summary, the available evidence is currently insufficient to determine the role of this variant in disease. Therefore, it has been classified as a Variant of Uncertain Significance.

Literature cited by the submitters: PubMed 17576681; PubMed 9536098.

NM_005045.4(RELN):c.6523+5T>A

Gene: RELN (reelin; minus strand). Cytogenetic location: 7q22.1.
Variant type: single nucleotide variant.
Coding change: c.6523+5T>A on transcript NM_005045.4 (MANE Select); 5 bases into the intron after coding-DNA position 6523, T replaced by A.
Molecular consequence: intron variant.
Genome position (GRCh38, 1-based): chr7:103,545,119, A>T on the plus strand (T>A on the coding strand, the complement: RELN is on the minus strand). VCF-style: chr7-103545119-A-T. GRCh37 (hg19) VCF-style: chr7-103185566-A-T.
Other names: c.6523+5T>A (NM_173054.3).
Identifiers: ClinVar variation 4791335 (VCV004791335.1).